The following is an entry in ClinVar:

ClinVar aggregate classification (germline): Uncertain significance. Review status: criteria provided, multiple submitters, no conflicts (2 of 4 stars). 2 submissions from 2 submitters: Uncertain significance (2). Last evaluated 2025-01-22.

Conditions:
Hypertrophic cardiomyopathy. Also called: HYPERTROPHIC MYOCARDIOPATHY. Identifiers: Orphanet 217569, MedGen C0007194, MeSH D002312, MONDO:0005045, HP:0001639.
Cardiovascular phenotype. Identifiers: MedGen CN230736.

Allele frequency attached by ClinVar (database versions not stated): gnomAD exomes below 0.00001.
gnomAD v4.1: 2 of 1,613,682 alleles (0.00012%); highest among the groups gnomAD compares: Non-Finnish European, 0.00017%; no homozygotes.

Submissions (2):

Labcorp Genetics (formerly Invitae), Labcorp
Classification: Uncertain significance for Hypertrophic cardiomyopathy. Last evaluated: 2025-01-22. Review status: criteria provided, single submitter. Criteria: Invitae Variant Classification Sherloc (09022015). Collection method: clinical testing. Allele origin: germline.
Comment: This sequence change replaces arginine, which is basic and polar, with cysteine, which is neutral and slightly polar, at codon 342 of the JPH2 protein (p.Arg342Cys). This variant is present in population databases (no rsID available, gnomAD 0.0009%). This variant has not been reported in the literature in individuals affected with JPH2-related conditions. ClinVar contains an entry for this variant (Variation ID: 3227376). An algorithm developed to predict the effect of missense changes on protein structure and function (PolyPhen-2) suggests that this variant is likely to be disruptive. In summary, the available evidence is currently insufficient to determine the role of this variant in disease. Therefore, it has been classified as a Variant of Uncertain Significance.

Ambry Genetics
Classification: Uncertain significance for Cardiovascular phenotype. Last evaluated: 2024-02-04. Review status: criteria provided, single submitter. Criteria: Ambry Variant Classification Scheme 2023. Collection method: clinical testing. Allele origin: germline.
Comment: The p.R342C variant (also known as c.1024C>T), located in coding exon 2 of the JPH2 gene, results from a C to T substitution at nucleotide position 1024. The arginine at codon 342 is replaced by cysteine, an amino acid with highly dissimilar properties. This amino acid position is conserved. In addition, this alteration is predicted to be tolerated by in silico analysis. Based on the available evidence, the clinical significance of this alteration remains unclear.

NM_020433.5(JPH2):c.1024C>T (p.Arg342Cys)

Gene: JPH2 (junctophilin 2; minus strand). Cytogenetic location: 20q13.12.
Variant type: single nucleotide variant.
Coding change: c.1024C>T on transcript NM_020433.5 (MANE Select); coding-DNA position 1024, C replaced by T.
Protein change: p.Arg342Cys; replaces arginine 342 with cysteine.
Molecular consequence: missense variant.
Genome position (GRCh38, 1-based): chr20:44,159,763, G>A on the plus strand (C>T on the coding strand, the complement: JPH2 is on the minus strand). VCF-style: chr20-44159763-G-A. GRCh37 (hg19) VCF-style: chr20-42788403-G-A.
Other names: short protein forms R342C.
Identifiers: ClinVar variation 3227376 (VCV003227376.3), dbSNP rs1464750590, ClinGen allele CA409093166.